The following is an entry in ClinVar:

ClinVar aggregate classification (germline): Pathogenic/Likely pathogenic. Review status: criteria provided, multiple submitters, no conflicts (2 of 4 stars). 7 submissions from 7 submitters: Pathogenic (3); Likely pathogenic (4). Last evaluated 2026-06-11.

Conditions:
COL4A5-related disorders.
X-linked Alport syndrome (ATS1). Also called: COL4A5-Related Nephropathy; NEPHROPATHY AND DEAFNESS, X-LINKED. Identifiers: Orphanet 63, Orphanet 88917, MedGen C4746986, MONDO:0010520, OMIM 301050.

Submissions (7):

Centre de Génétique Humaine, Institut de Pathologie Et de Génétique
Classification: Likely pathogenic for X-linked Alport syndrome. Last evaluated: 2026-06-11. Review status: criteria provided, single submitter. Criteria: ACMG Guidelines, 2015. Collection method: clinical testing. Allele origin: paternal, maternal. Inheritance: X-linked dominant inheritance. Affected: yes. Observed: 11 variant alleles, 7 heterozygotes, 4 hemizygotes. Clinical features observed: Microscopic hematuria (HP:0002907), Moderate albuminuria (HP:0012594), Hypertensive disorder (HP:0000822), Stage 2 chronic kidney disease (HP:0012624), Severe albuminuria (HP:0033066), Stage 3 chronic kidney disease (HP:0012625), Cataract (HP:0000518). Segregation with disease observed.
Comment: Inframe deletion of 3 residues Gly-X-Y in collagenous region (PM1 and PM4). This variant is rare: absent in gnomAD v4.1.0 database (PM2). I. Several descriptions in patients with X-linked Alport Syndrome or FSGS (PP5). Cosegragation in a family analysed in our lab (PP1)

Labcorp Genetics (formerly Invitae), Labcorp
Classification: Pathogenic. Last evaluated: 2025-08-02. Review status: criteria provided, single submitter. Criteria: Invitae Variant Classification Sherloc (09022015). Collection method: clinical testing. Allele origin: germline.
Comment: This variant, c.2475_2483del, results in the deletion of 3 amino acid(s) of the COL4A5 protein (p.Pro826_Gly828del), but otherwise preserves the integrity of the reading frame. This variant is not present in population databases (gnomAD no frequency). This variant has been observed in individuals with clinical features of Alport syndrome (PMID: 10094548, 31937884; internal data). This variant is also known as 822delGPP. ClinVar contains an entry for this variant (Variation ID: 24527). This variant disrupts the triple helix domain of COL4A5. Glycine residues within the Gly-Xaa-Yaa repeats of the triple helix domain are required for the structure and stability of fibrillar collagens (PMID: 7695699, 8218237, 19344236). In COL4A5, missense variants at these glycine residues are significantly enriched in individuals with disease (PMID: 23720012, 27627812) compared to the general population (ExAC). For these reasons, this variant has been classified as Pathogenic.

Myriad Genetics, Inc.
Classification: Pathogenic for X-linked Alport syndrome. Last evaluated: 2025-05-01. Review status: criteria provided, single submitter. Criteria: Myriad Autosomal Dominant, Autosomal Recessive and X-Linked Classification Criteria (2023). Collection method: clinical testing. Allele origin: unknown.
Comment: NM_000495.4(COL4A5):c.2475_2483del9(P826_G828del) is a missense variant classified as pathogenic in the context of X-linked Alport syndrome. P826_G828del has been observed in cases with relevant disease (PMID: 37097554, 10094548). Relevant functional assessments of this variant are not available in the literature. Internal structural analysis of the variant is supportive of pathogenicity. P826_G828del has not been observed in referenced population frequency databases. In summary, NM_000495.4(COL4A5):c.2475_2483del9(P826_G828del) is a missense variant that has internal structural support for pathogenicity and has been observed more frequently in cases with the relevant disease than in healthy populations. Please note: this variant was assessed in the context of healthy population screening.

Fulgent Genetics
Classification: Likely pathogenic for X-linked Alport syndrome. Last evaluated: 2024-01-09. Review status: criteria provided, single submitter. Criteria: ACMG Guidelines, 2015. Collection method: clinical testing. Allele origin: germline.

CeGaT Center for Human Genetics Tuebingen
Classification: Likely pathogenic. Last evaluated: 2023-02-01. Review status: criteria provided, single submitter. Criteria: CeGaT Center For Human Genetics Tuebingen Variant Classification Criteria Version 2. Collection method: clinical testing. Allele origin: germline. Affected: yes. Observed: 1 variant allele.
Comment: COL4A5: PM2, PM4, PS4:Moderate, PP4

Blueprint Genetics
Classification: Likely pathogenic for COL4A5-related disorders. Last evaluated: 2020-06-18. Review status: criteria provided, single submitter. Criteria: ACMG Guidelines, 2015. Collection method: clinical testing. Allele origin: germline. Affected: yes. Observed: 1 variant allele.

Athena Diagnostics
Classification: Pathogenic. Last evaluated: 2019-06-04. Review status: criteria provided, single submitter. Criteria: Athena Diagnostics Criteria. Collection method: clinical testing. Allele origin: germline.
Comment: The variant disrupts a glycine residue in the canonical Gly-X-Y repeats of the triple helix domain, which are required for stability and structure of this protein. Therefore it is expected to severely affect the function of the protein. Found in at least one symptomatic patient, and not found in general population data.

Literature cited by the submitters: PubMed 10094548 (cited by 3 submitters); PubMed 31937884 (cited by Centre de Génétique Humaine, Institut de Pathologie Et de Génétique and Labcorp Genetics (formerly Invitae), Labcorp); PubMed 35288428 (cited by Centre de Génétique Humaine, Institut de Pathologie Et de Génétique); PubMed 37097554 (cited by Centre de Génétique Humaine, Institut de Pathologie Et de Génétique and Myriad Genetics, Inc.); PubMed 7695699 (cited by Labcorp Genetics (formerly Invitae), Labcorp); PubMed 8218237 (cited by Labcorp Genetics (formerly Invitae), Labcorp); PubMed 19344236 (cited by Labcorp Genetics (formerly Invitae), Labcorp); PubMed 23720012 (cited by Labcorp Genetics (formerly Invitae), Labcorp); PubMed 27627812 (cited by Labcorp Genetics (formerly Invitae), Labcorp).

NM_033380.3(COL4A5):c.2466ACCACCAGG[1] (p.823PPG[1])

Gene: COL4A5 (collagen type IV alpha 5 chain; plus strand). Cytogenetic location: Xq22.3.
Variant type: Microsatellite.
Coding change: c.2466ACCACCAGG[1] on transcript NM_033380.3 (MANE Select); one copy of the 9-base unit ACCACCAGG starting at c.2466; the reference has two copies in a row; one copy, 9 bases deleted; also written c.2475_2483del.
Protein change: p.823PPG[1].
Molecular consequence: inframe deletion.
Genome position (GRCh38, 1-based): chrX:108,614,990-108,614,998, ACCACCAGG deleted; deleting any 9 consecutive bases within chrX:108,614,979-108,614,998 gives the same sequence; the position shown is the placement nearest the transcript's 3' end. VCF-style (leftmost placement, unchanged base first): chrX-108614978-GGGACCACCA-G. GRCh37 (hg19) VCF-style: chrX-107858208-GGGACCACCA-G.
Other names: p.(Pro826_Gly828del); c.2475_2483del (NM_033380.3, NM_000495.5); c.2466ACCACCAGG[1], p.823PPG[1] (NM_000495.5).
Identifiers: ClinVar variation 24527 (VCV000024527.45), dbSNP rs104886356, ClinGen allele CA258693.
Genomic context (GRCh38, chrX:108,614,978, plus strand): 5'-TGGACCAAATGGACAACCTGGACCAATGGGACCTCCTGGGCTGCCAGGAATAGGTGTTCA[GGGACCACCA>G]GGACCACCAGGGATTCCTGGGCCAATAGGTCAACCTGGTAAGATTAGAGTAAATGTGCAT-3'